The following is an entry in ClinVar:

NM_001197104.2(KMT2A):c.7459T>G (p.Ser2487Ala)

Gene: KMT2A (lysine methyltransferase 2A; plus strand). Cytogenetic location: 11q23.3.
Variant type: single nucleotide variant.
Coding change: c.7459T>G on transcript NM_001197104.2 (MANE Select); coding-DNA position 7459, T replaced by G.
Protein change: p.Ser2487Ala; replaces serine 2487 with alanine.
Molecular consequence: missense variant.
Genome position (GRCh38, 1-based): chr11:118,503,351, T>G. VCF-style: chr11-118503351-T-G. GRCh37 (hg19) VCF-style: chr11-118374066-T-G.
Other names: c.7549T>G, p.Ser2517Ala (NM_001412597.1); c.7450T>G, p.Ser2484Ala (NM_005933.4); short protein forms S2484A, S2487A, S2517A.
Identifiers: ClinVar variation 4094213 (VCV004094213.2).

ClinVar aggregate classification (germline): Uncertain significance. Review status: criteria provided, multiple submitters, no conflicts (2 of 4 stars). 2 submissions from 2 submitters: Uncertain significance (2). Last evaluated 2025-10-06.

Conditions:
Inborn genetic diseases. Identifiers: MedGen C0950123, MeSH D030342.

gnomAD v4.1: 4 of 1,614,148 alleles (0.00025%); highest among the groups gnomAD compares: Non-Finnish European, 0.00034%; no homozygotes.

Submissions (2):

Labcorp Genetics (formerly Invitae), Labcorp
Classification: Uncertain significance. Last evaluated: 2025-10-06. Review status: criteria provided, single submitter. Criteria: Invitae Variant Classification Sherloc (09022015). Collection method: clinical testing. Allele origin: germline.
Comment: This sequence change replaces serine, which is neutral and polar, with alanine, which is neutral and non-polar, at codon 2487 of the KMT2A protein (p.Ser2487Ala). This variant is present in population databases (no rsID available, gnomAD 0.0009%). This variant has not been reported in the literature in individuals affected with KMT2A-related conditions. Invitae Evidence Modeling of protein sequence and biophysical properties (such as structural, functional, and spatial information, amino acid conservation, physicochemical variation, residue mobility, and thermodynamic stability) indicates that this missense variant is not expected to disrupt KMT2A protein function with a negative predictive value of 95%. In summary, the available evidence is currently insufficient to determine the role of this variant in disease. Therefore, it has been classified as a Variant of Uncertain Significance.

Ambry Genetics
Classification: Uncertain significance for Inborn genetic diseases. Last evaluated: 2025-08-20. Review status: criteria provided, single submitter. Criteria: Ambry Variant Classification Scheme 2023. Collection method: clinical testing. Allele origin: germline.